The following is an entry in ClinVar:

ClinVar aggregate classification (germline): Likely benign. Review status: criteria provided, multiple submitters, no conflicts (2 of 4 stars). 2 submissions from 2 submitters: Likely benign (2). Last evaluated 2024-06-01.

Conditions:
Inborn genetic diseases. Identifiers: MedGen C0950123, MeSH D030342.

Allele frequency attached by ClinVar (database versions not stated): 1000 Genomes Project 30x 0.00016; 1000 Genomes Project 0.00020; ESP Exome Variant Server 0.00023; TOPMed 0.00034; gnomAD 0.00035; gnomAD exomes 0.00045; ExAC 0.00063.

Submissions (2):

CeGaT Center for Human Genetics Tuebingen
Classification: Likely benign. Last evaluated: 2024-06-01. Review status: criteria provided, single submitter. Criteria: CeGaT Center For Human Genetics Tuebingen Variant Classification Criteria Version 2. Collection method: clinical testing. Allele origin: germline. Affected: yes. Observed: 2 variant alleles.
Comment: DLK1: BP4, BP7

Ambry Genetics
Classification: Likely benign for Inborn genetic diseases. Last evaluated: 2024-01-30. Review status: criteria provided, single submitter. Criteria: Ambry Variant Classification Scheme 2023. Collection method: clinical testing. Allele origin: germline.

NM_003836.7(DLK1):c.963T>C (p.Thr321=)

Gene: DLK1 (delta like non-canonical Notch ligand 1; plus strand). Cytogenetic location: 14q32.2.
Variant type: single nucleotide variant.
Coding change: c.963T>C on transcript NM_003836.7 (MANE Select); coding-DNA position 963, T replaced by C.
Protein change: p.Thr321=; no amino-acid change (threonine 321 retained).
Molecular consequence: synonymous variant.
Genome position (GRCh38, 1-based): chr14:100,734,707, T>C. VCF-style: chr14-100734707-T-C. GRCh37 (hg19) VCF-style: chr14-101201044-T-C.
Other names: c.744T>C, p.Thr248= (NM_001317172.2); c.963T>C (NM_003836.5).
Identifiers: ClinVar variation 2644538 (VCV002644538.25), dbSNP rs140051660, ClinGen allele CA7346752.